The following is an entry in ClinVar:

ClinVar aggregate classification (germline): Uncertain significance (1 of 4 stars; one submission).

Conditions:
LRRC45-related disorder. Also called: LRRC45-related condition.

gnomAD v4.1: 5 of 1,612,682 alleles (0.00031%); highest among the groups gnomAD compares: East Asian, 0.0045%; no homozygotes.

Submissions (2):

PreventionGenetics, part of Exact Sciences
Classification: Uncertain significance for LRRC45-related condition. Last evaluated: 2025-04-23. Review status: criteria provided, single submitter. Criteria: ACMG Guidelines, 2015. Collection method: clinical testing. Allele origin: germline.
Comment: The LRRC45 c.808C>T variant is predicted to result in premature protein termination (p.Arg270*). To our knowledge, this variant has not been reported in the literature. This variant is reported in 0.0062% of alleles in individuals of African descent in gnomAD. At this time, the clinical significance of this variant is uncertain due to the absence of conclusive functional and genetic evidence.

Dr. Peter K. Rogan Lab, Western University
No classification provided (evidence only). Condition: Squamous cell lung carcinoma. Review status: no classification provided. Collection method: in vitro. Allele origin: not applicable. Functional consequence: retained intron. Not counted in ClinVar's aggregate classification.

NM_144999.4(LRRC45):c.808C>T (p.Arg270Ter)

Gene: LRRC45 (leucine rich repeat containing 45; plus strand). Cytogenetic location: 17q25.3.
Variant type: single nucleotide variant.
Coding change: c.808C>T on transcript NM_144999.4 (MANE Select); coding-DNA position 808, C replaced by T.
Protein change: p.Arg270Ter; replaces arginine 270 with a stop codon.
Molecular consequence: nonsense.
Genome position (GRCh38, 1-based): chr17:82,027,419, C>T. VCF-style: chr17-82027419-C-T. GRCh37 (hg19) VCF-style: chr17-79985295-C-T.
Other names: NC_000017.10:g.79985295C>T; c.808C>T (NM_144999.3); short protein forms R270*.
Identifiers: ClinVar variation 4429288 (VCV004429288.2).